The following is an entry in ClinVar:

NM_004447.6(EPS8):c.591C>T (p.Asp197=)

Gene: EPS8 (EGFR pathway substrate 8, signaling adaptor; minus strand). Cytogenetic location: 12p12.3.
Variant type: single nucleotide variant.
Coding change: c.591C>T on transcript NM_004447.6 (MANE Select); coding-DNA position 591, C replaced by T.
Protein change: p.Asp197=; no amino-acid change (aspartic acid 197 retained).
Molecular consequence: synonymous variant. On other transcripts: non-coding transcript variant (3).
Genome position (GRCh38, 1-based): chr12:15,666,448, G>A on the plus strand (C>T on the coding strand, the complement: EPS8 is on the minus strand). VCF-style: chr12-15666448-G-A. GRCh37 (hg19) VCF-style: chr12-15819382-G-A.
Other names: c.591C>T, p.Asp197= (NM_001413831.1, NM_001413832.1, NM_001413833.1 and 3 more transcripts); c.351C>T, p.Asp117= (NM_001413835.1, NM_001413836.1); c.174C>T, p.Asp58= (NM_001413837.1).
Identifiers: ClinVar variation 4977003 (VCV004977003.1).

ClinVar aggregate classification (germline): Likely benign (1 of 4 stars; one submission).

Conditions:
EPS8-related disorder. Also called: EPS8-related condition.

gnomAD v4.1: 28 of 1,612,474 alleles (0.0017%); highest among the groups gnomAD compares: Middle Eastern, 0.033%; no homozygotes.

Submission:

PreventionGenetics, part of Exact Sciences
Classification: Likely benign for EPS8-related condition. Last evaluated: 2025-12-02. Review status: criteria provided, single submitter. Criteria: ACMG Guidelines, 2015. Collection method: clinical testing. Allele origin: germline.
Comment: This variant is classified as likely benign based on ACMG/AMP sequence variant interpretation guidelines (Richards et al. 2015 PMID: 25741868, with internal and published modifications).